The following is an entry in ClinVar:

ClinVar aggregate classification (germline): Conflicting classifications of pathogenicity. Review status: criteria provided, conflicting classifications (1 of 4 stars). 5 submissions from 5 submitters: Uncertain significance (4); Likely benign (1). Last evaluated 2025-11-24.

Conditions:
MEGF8-related Carpenter syndrome. Also called: Carpenter syndrome 2. Identifiers: Orphanet 65759, MedGen C3554247, MONDO:0013998, OMIM 614976.

Allele frequency attached by ClinVar (database versions not stated): 1000 Genomes Project 0.00040; 1000 Genomes Project 30x 0.00047; gnomAD exomes 0.00048 and 0.00089; gnomAD 0.00051 and 0.00055; TOPMed 0.00056; ExAC 0.00073; ESP Exome Variant Server 0.00131.
gnomAD v4.1: 1,353 of 1,585,562 alleles (0.085%); highest among the groups gnomAD compares: Non-Finnish European, 0.11%; no homozygotes.

Submissions (5):

Labcorp Genetics (formerly Invitae), Labcorp
Classification: Uncertain significance for MEGF8-related Carpenter syndrome. Last evaluated: 2025-11-24. Review status: criteria provided, single submitter. Criteria: Invitae Variant Classification Sherloc (09022015). Collection method: clinical testing. Allele origin: germline.
Comment: This sequence change replaces valine, which is neutral and non-polar, with methionine, which is neutral and non-polar, at codon 2283 of the MEGF8 protein (p.Val2283Met). This variant is present in population databases (rs73033442, gnomAD 0.08%), and has an allele count higher than expected for a pathogenic variant. This variant has not been reported in the literature in individuals affected with MEGF8-related conditions. ClinVar contains an entry for this variant (Variation ID: 569417). An algorithm developed to predict the effect of missense changes on protein structure and function outputs the following: PolyPhen-2: "Benign". The methionine amino acid residue is found in multiple mammalian species, which suggests that this missense change does not adversely affect protein function. In summary, the available evidence is currently insufficient to determine the role of this variant in disease. Therefore, it has been classified as a Variant of Uncertain Significance.

GeneDx
Classification: Uncertain significance. Last evaluated: 2025-04-08. Review status: criteria provided, single submitter. Criteria: GeneDx Variant Classification Process June 2021. Collection method: clinical testing. Allele origin: germline. Affected: yes.
Comment: Has not been previously published as pathogenic or benign to our knowledge; In silico analysis indicates that this missense variant does not alter protein structure/function

Blueprint Genetics
Classification: Likely benign. Last evaluated: 2024-11-28. Review status: criteria provided, single submitter. Criteria: ACMG Guidelines, 2015. Collection method: clinical testing. Allele origin: germline.

CeGaT Center for Human Genetics Tuebingen
Classification: Uncertain significance. Last evaluated: 2019-12-01. Review status: criteria provided, single submitter. Criteria: CeGaT Center For Human Genetics Tuebingen Variant Classification Criteria Version 2. Collection method: clinical testing. Allele origin: germline. Affected: yes. Observed: 1 variant allele.

Breakthrough Genomics
Classification: Uncertain significance. Review status: criteria provided, single submitter. Criteria: ACMG Guidelines, 2015. Collection method: not provided. Allele origin: germline. Inheritance: Autosomal dominant inheritance. Affected: yes.

NM_001271938.2(MEGF8):c.7048G>A (p.Val2350Met)

Gene: MEGF8 (multiple EGF like domains 8; plus strand). Cytogenetic location: 19q13.2.
Variant type: single nucleotide variant.
Coding change: c.7048G>A on transcript NM_001271938.2 (MANE Select); coding-DNA position 7048, G replaced by A.
Protein change: p.Val2350Met; replaces valine 2350 with methionine.
Molecular consequence: missense variant.
Genome position (GRCh38, 1-based): chr19:42,370,743, G>A. VCF-style: chr19-42370743-G-A. GRCh37 (hg19) VCF-style: chr19-42874895-G-A.
Other names: c.6847G>A, p.Val2283Met (NM_001410.3); short protein forms V2283M, V2350M.
Identifiers: ClinVar variation 569417 (VCV000569417.50), dbSNP rs73033442, ClinGen allele CA9476043.